The following is an entry in ClinVar:

ClinVar aggregate classification (germline): Likely pathogenic (1 of 4 stars; one submission).

Conditions:
VPS13A-related neurodegenerative disease. Also called: LEVINE-CRITCHLEY SYNDROME; Choreoacanthocytosis; Chorea-acanthocytosis; ACANTHOCYTOSIS WITH NEUROLOGIC DISORDER; VPS13A Disease; Choreaacanthocytosis. Identifiers: Orphanet 2388, MedGen C0393576, MONDO:0008695, OMIM 200150.

Submission:

Natera, Inc.
Classification: Likely pathogenic for Choreaacanthocytosis. Last evaluated: 2024-03-26. Review status: criteria provided, single submitter. Criteria: Natera Variant Classification Schema (03/2026). Collection method: clinical testing. Allele origin: germline.
Comment: The c.3513delT variant in VPS13A is a frameshift variant predicted to shift the reading frame beginning at codon 1171 and leads to a stop codon 2 codons downstream. This variant is expected to result in nonsense mediated decay, truncation, or a dysfunctional protein product. This variant is rare in the general population with a frequency below the threshold expected for the associated phenotype(s). Given the available evidence, this variant is classified as Likely Pathogenic.

NM_033305.3(VPS13A):c.3513del (p.Phe1171fs)

Gene: VPS13A (vacuolar protein sorting 13 homolog A; plus strand). Cytogenetic location: 9q21.2.
Variant type: Deletion.
Coding change: c.3513del on transcript NM_033305.3 (MANE Select); coding-DNA position 3513, one base deleted (T; older notation c.3513delT).
Protein change: p.Phe1171fs; shifts the reading frame from phenylalanine 1171.
Molecular consequence: frameshift variant.
Genome position (GRCh38, 1-based): chr9:77,295,547, T deleted; the last of 4 consecutive T bases (chr9:77,295,544-77,295,547); deleting any one gives the same sequence. VCF-style (leftmost placement, unchanged base first): chr9-77295543-CT-C. GRCh37 (hg19) VCF-style: chr9-79910459-CT-C.
Other names: c.3396del, p.Phe1132fs (NM_001018037.2); c.3513del, p.Phe1171fs (NM_001018038.3, NM_015186.4); short protein forms F1132fs, F1171fs.
Identifiers: ClinVar variation 4816394 (VCV004816394.1).